The following is an entry in ClinVar:

NM_013372.7(GREM1):c.405A>C (p.Glu135Asp)

Gene: GREM1 (gremlin 1, DAN family BMP antagonist; plus strand). Cytogenetic location: 15q13.3.
Variant type: single nucleotide variant.
Coding change: c.405A>C on transcript NM_013372.7 (MANE Select); coding-DNA position 405, A replaced by C.
Protein change: p.Glu135Asp; replaces glutamic acid 135 with aspartic acid.
Molecular consequence: missense variant.
Genome position (GRCh38, 1-based): chr15:32,731,095, A>C. VCF-style: chr15-32731095-A-C. GRCh37 (hg19) VCF-style: chr15-33023296-A-C.
Other names: c.195A>C, p.Glu65Asp (NM_001191322.2); c.282A>C, p.Glu94Asp (NM_001191323.2); c.405A>C, p.Glu135Asp (NM_001368719.1); short protein forms E135D, E65D, E94D.
Identifiers: ClinVar variation 4643383 (VCV004643383.1).

ClinVar aggregate classification (germline): Uncertain significance (1 of 4 stars; one submission).

Conditions:
Hereditary cancer-predisposing syndrome. Also called: Neoplastic Syndromes, Hereditary; Tumor predisposition; Hereditary Cancer Syndrome; Hereditary neoplastic syndrome. Identifiers: Orphanet 140162, MedGen C0027672, MeSH D009386, MONDO:0015356.

gnomAD v4.1: 1 of 1,614,208 alleles (0.000062%); highest among the groups gnomAD compares: Non-Finnish European, 0.000085%; no homozygotes.

Submission:

Ambry Genetics
Classification: Uncertain significance for Hereditary cancer-predisposing syndrome. Last evaluated: 2025-11-15. Review status: criteria provided, single submitter. Criteria: Ambry Variant Classification Scheme 2023. Collection method: clinical testing. Allele origin: germline.
Comment: The p.E135D variant (also known as c.405A>C), located in coding exon 1 of the GREM1 gene, results from an A to C substitution at nucleotide position 405. The glutamic acid at codon 135 is replaced by aspartic acid, an amino acid with highly similar properties. This amino acid position is conserved. In addition, this alteration is predicted to be tolerated by in silico analysis. Based on the available evidence, the clinical significance of this variant remains unclear.